The following is an entry in ClinVar:

ClinVar aggregate classification (germline): Likely benign. Review status: criteria provided, single submitter (1 of 4 stars). 2 submissions from 2 submitters: Likely benign (1). 1 of the submissions does not count toward it. Last evaluated 2025-07-14.

Conditions:
KMT2D-related disorder. Also called: KMT2D-Related Disorders.
Kabuki syndrome. Also called: Kabuki make-up syndrome; NIIKAWA-KUROKI SYNDROME. Identifiers: Orphanet 2322, MedGen C0796004, MONDO:0016512.

Allele frequency attached by ClinVar (database versions not stated): gnomAD 0.00004; gnomAD exomes 0.00004; ExAC 0.00007; TOPMed 0.00007.
gnomAD v4.1: 68 of 1,611,674 alleles (0.0042%); highest among the groups gnomAD compares: East Asian, 0.15%; no homozygotes.

Submissions (2):

Labcorp Genetics (formerly Invitae), Labcorp
Classification: Likely benign for Kabuki syndrome. Last evaluated: 2025-07-14. Review status: criteria provided, single submitter. Criteria: Invitae Variant Classification Sherloc (09022015). Collection method: clinical testing. Allele origin: germline.

PreventionGenetics, part of Exact Sciences
Classification: Likely benign for KMT2D-related condition. Last evaluated: 2024-03-09. Review status: no assertion criteria provided. Collection method: clinical testing. Allele origin: germline. Not counted in ClinVar's aggregate classification.
Comment: This variant is classified as likely benign based on ACMG/AMP sequence variant interpretation guidelines (Richards et al. 2015 PMID: 25741868, with internal and published modifications).

NM_003482.4(KMT2D):c.4682T>G (p.Val1561Gly)

Gene: KMT2D (lysine methyltransferase 2D; minus strand). Cytogenetic location: 12q13.12.
Variant type: single nucleotide variant.
Coding change: c.4682T>G on transcript NM_003482.4 (MANE Select); coding-DNA position 4682, T replaced by G.
Protein change: p.Val1561Gly; replaces valine 1561 with glycine.
Molecular consequence: missense variant.
Genome position (GRCh38, 1-based): chr12:49,046,076, A>C on the plus strand (T>G on the coding strand, the complement: KMT2D is on the minus strand). VCF-style: chr12-49046076-A-C. GRCh37 (hg19) VCF-style: chr12-49439859-A-C.
Other names: short protein forms V1561G.
Identifiers: ClinVar variation 2154479 (VCV002154479.5), dbSNP rs777735105, ClinGen allele CA6547768.